The following is an entry in ClinVar:

NM_001903.5(CTNNA1):c.763A>G (p.Ile255Val)

Gene: CTNNA1 (catenin alpha 1; plus strand). Cytogenetic location: 5q31.2.
Variant type: single nucleotide variant.
Coding change: c.763A>G on transcript NM_001903.5 (MANE Select); coding-DNA position 763, A replaced by G.
Protein change: p.Ile255Val; replaces isoleucine 255 with valine.
Molecular consequence: missense variant.
Genome position (GRCh38, 1-based): chr5:138,824,704, A>G. VCF-style: chr5-138824704-A-G. GRCh37 (hg19) VCF-style: chr5-138160393-A-G.
Other names: c.763A>G, p.Ile255Val (NM_001290307.3, NM_001323982.2, NM_001323983.1 and 3 more transcripts); c.454A>G, p.Ile152Val (NM_001290309.3); c.394A>G, p.Ile132Val (NM_001290310.3); c.763A>G (NM_001903.2); short protein forms I132V, I152V, I255V.
Identifiers: ClinVar variation 963458 (VCV000963458.10), dbSNP rs1760463089, ClinGen allele CA361129955.

ClinVar aggregate classification (germline): Uncertain significance. Review status: criteria provided, multiple submitters, no conflicts (2 of 4 stars). 2 submissions from 2 submitters: Uncertain significance (2). Last evaluated 2025-12-08.

Conditions:
Hereditary cancer-predisposing syndrome. Also called: Tumor predisposition; Hereditary neoplastic syndrome; Hereditary Cancer Syndrome; Neoplastic Syndromes, Hereditary. Identifiers: Orphanet 140162, MedGen C0027672, MeSH D009386, MONDO:0015356.

gnomAD v4.1: 2 of 1,614,240 alleles (0.00012%); highest among the groups gnomAD compares: Non-Finnish European, 0.000085%; no homozygotes.

Submissions (2):

Labcorp Genetics (formerly Invitae), Labcorp
Classification: Uncertain significance. Last evaluated: 2025-12-08. Review status: criteria provided, single submitter. Criteria: Invitae Variant Classification Sherloc (09022015). Collection method: clinical testing. Allele origin: germline.
Comment: This sequence change replaces isoleucine, which is neutral and non-polar, with valine, which is neutral and non-polar, at codon 255 of the CTNNA1 protein (p.Ile255Val). This variant is not present in population databases (gnomAD no frequency). This variant has not been reported in the literature in individuals affected with CTNNA1-related conditions. ClinVar contains an entry for this variant (Variation ID: 963458). Invitae Evidence Modeling of protein sequence and biophysical properties (such as structural, functional, and spatial information, amino acid conservation, physicochemical variation, residue mobility, and thermodynamic stability) indicates that this missense variant is not expected to disrupt CTNNA1 protein function with a negative predictive value of 80%. In summary, the available evidence is currently insufficient to determine the role of this variant in disease. Therefore, it has been classified as a Variant of Uncertain Significance.

Ambry Genetics
Classification: Uncertain significance for Hereditary cancer-predisposing syndrome. Last evaluated: 2024-05-19. Review status: criteria provided, single submitter. Criteria: Ambry Variant Classification Scheme 2023. Collection method: clinical testing. Allele origin: germline.
Comment: The p.I255V variant (also known as c.763A>G), located in coding exon 5 of the CTNNA1 gene, results from an A to G substitution at nucleotide position 763. The isoleucine at codon 255 is replaced by valine, an amino acid with highly similar properties. This amino acid position is conserved. In addition, the in silico prediction for this alteration is inconclusive. Based on the available evidence, the clinical significance of this variant remains unclear.